The following is an entry in ClinVar:

NM_001384732.1(CPLANE1):c.2138C>T (p.Ser713Leu)

Gene: CPLANE1 (ciliogenesis and planar polarity effector complex subunit 1; minus strand). Cytogenetic location: 5p13.2.
Variant type: single nucleotide variant.
Coding change: c.2138C>T on transcript NM_001384732.1 (MANE Select); coding-DNA position 2138, C replaced by T.
Protein change: p.Ser713Leu; replaces serine 713 with leucine.
Molecular consequence: missense variant.
Genome position (GRCh38, 1-based): chr5:37,226,457, G>A on the plus strand (C>T on the coding strand, the complement: CPLANE1 is on the minus strand). VCF-style: chr5-37226457-G-A. GRCh37 (hg19) VCF-style: chr5-37226559-G-A.
Other names: c.2138C>T, p.Ser713Leu (NM_023073.4); short protein forms S713L.
Identifiers: ClinVar variation 389971 (VCV000389971.8), dbSNP rs765005739, ClinGen allele CA3239056.

ClinVar aggregate classification (germline): Uncertain significance. Review status: criteria provided, multiple submitters, no conflicts (2 of 4 stars). 2 submissions from 2 submitters: Uncertain significance (2). Last evaluated 2021-09-01.

Allele frequency attached by ClinVar (database versions not stated): gnomAD below 0.00001 and 0.00001; gnomAD exomes 0.00002; ExAC 0.00014.
gnomAD v4.1: 10 of 1,550,834 alleles (0.00064%); highest among the groups gnomAD compares: South Asian, 0.011%; no homozygotes.

Submissions (2):

Labcorp Genetics (formerly Invitae), Labcorp
Classification: Uncertain significance. Last evaluated: 2021-09-01. Review status: criteria provided, single submitter. Criteria: Invitae Variant Classification Sherloc (09022015). Collection method: clinical testing. Allele origin: germline.
Comment: This sequence change replaces serine with leucine at codon 713 of the CPLANE1 protein (p.Ser713Leu). The serine residue is weakly conserved and there is a large physicochemical difference between serine and leucine. This variant is present in population databases (rs765005739, ExAC 0.03%). This variant has not been reported in the literature in individuals affected with CPLANE1-related conditions. ClinVar contains an entry for this variant (Variation ID: 389971). Algorithms developed to predict the effect of missense changes on protein structure and function are either unavailable or do not agree on the potential impact of this missense change (SIFT: "Deleterious"; PolyPhen-2: "Benign"; Align-GVGD: "Class C0"). In summary, the available evidence is currently insufficient to determine the role of this variant in disease. Therefore, it has been classified as a Variant of Uncertain Significance.

GeneDx
Classification: Uncertain significance. Last evaluated: 2021-01-25. Review status: criteria provided, single submitter. Criteria: GeneDx Variant Classification Process June 2021. Collection method: clinical testing. Allele origin: germline. Affected: yes.
Comment: Not observed at a significant frequency in large population cohorts (Lek et al., 2016); In silico analysis supports that this missense variant does not alter protein structure/function; Has not been previously published as pathogenic or benign to our knowledge